The following is an entry in ClinVar:

ClinVar aggregate classification (germline): Uncertain significance (1 of 4 stars; one submission).

gnomAD v4.1: 14 of 1,613,662 alleles (0.00087%); highest among the groups gnomAD compares: Admixed American, 0.0017%; no homozygotes.

Submission:

Labcorp Genetics (formerly Invitae), Labcorp
Classification: Uncertain significance. Last evaluated: 2025-06-11. Review status: criteria provided, single submitter. Criteria: Invitae Variant Classification Sherloc (09022015). Collection method: clinical testing. Allele origin: germline.
Comment: This sequence change replaces threonine, which is neutral and polar, with alanine, which is neutral and non-polar, at codon 134 of the C3 protein (p.Thr134Ala). This variant is present in population databases (rs753920167, gnomAD 0.003%). This variant has not been reported in the literature in individuals affected with C3-related conditions. Invitae Evidence Modeling of protein sequence and biophysical properties (such as structural, functional, and spatial information, amino acid conservation, physicochemical variation, residue mobility, and thermodynamic stability) indicates that this missense variant is not expected to disrupt C3 protein function with a negative predictive value of 80%. In summary, the available evidence is currently insufficient to determine the role of this variant in disease. Therefore, it has been classified as a Variant of Uncertain Significance.

NM_000064.4(C3):c.400A>G (p.Thr134Ala)

Gene: C3 (complement C3; minus strand). Cytogenetic location: 19p13.3.
Variant type: single nucleotide variant.
Coding change: c.400A>G on transcript NM_000064.4 (MANE Select); coding-DNA position 400, A replaced by G.
Protein change: p.Thr134Ala; replaces threonine 134 with alanine.
Molecular consequence: missense variant.
Genome position (GRCh38, 1-based): chr19:6,718,280, T>C on the plus strand (A>G on the coding strand, the complement: C3 is on the minus strand). VCF-style: chr19-6718280-T-C. GRCh37 (hg19) VCF-style: chr19-6718291-T-C.
Other names: short protein forms T134A.
Identifiers: ClinVar variation 4780806 (VCV004780806.1).
Genomic context (GRCh38, chr19:6,718,280, plus strand): 5'-GCCCTCTCCAGCCGCCCCCAGCCTCACCTGTGGAGCCAGGGGTGTAGATGGTCTTGTCTG[T>C]CTGGATGAAGAGGTACCCGCTCTGCAGGCTGACCAGCACCACCTTCTCCACCACTTGGGT-3'
Protein context (NP_000055.2, residues 124-144): SLQSGYLFIQ[Thr134Ala]DKTIYTPGST